The following is an entry in ClinVar:

ClinVar aggregate classification (germline): Uncertain significance (1 of 4 stars; one submission).

Allele frequency attached by ClinVar (database versions not stated): gnomAD exomes below 0.00001; TOPMed below 0.00001.
gnomAD v4.1: 1 of 1,614,254 alleles (0.000062%); highest among the groups gnomAD compares: Admixed American, 0.0017%; no homozygotes.

Submission:

Women's Health and Genetics/Laboratory Corporation of America, LabCorp
Classification: Uncertain significance. Last evaluated: 2018-10-17. Review status: criteria provided, single submitter. Criteria: LabCorp Variant Classification Summary - May 2015. Collection method: clinical testing. Allele origin: germline.
Comment: Variant summary: NSD1 c.7870C>A (p.Pro2624Thr) results in a non-conservative amino acid change in the encoded protein sequence. Three of five in-silico tools predict a benign effect of the variant on protein function. The variant allele was found at a frequency of 4.1e-06 in 245460 control chromosomes (gnomAD). The available data on variant occurrences in the general population are insufficient to allow any conclusion about variant significance. To our knowledge, no occurrence of c.7870C>A in individuals affected with Sotos syndrome 1 and no experimental evidence demonstrating its impact on protein function have been reported. No clinical diagnostic laboratories have submitted clinical-significance assessments for this variant to ClinVar after 2014. Based on the evidence outlined above, the variant was classified as uncertain significance.

NM_022455.5(NSD1):c.7870C>A (p.Pro2624Thr)

Gene: NSD1 (nuclear receptor binding SET domain protein 1; plus strand). Cytogenetic location: 5q35.3.
Variant type: single nucleotide variant.
Coding change: c.7870C>A on transcript NM_022455.5 (MANE Select); coding-DNA position 7870, C replaced by A.
Protein change: p.Pro2624Thr; replaces proline 2624 with threonine.
Molecular consequence: missense variant.
Genome position (GRCh38, 1-based): chr5:177,295,238, C>A. VCF-style: chr5-177295238-C-A. GRCh37 (hg19) VCF-style: chr5-176722239-C-A.
Other names: c.6997C>A, p.Pro2333Thr (NM_001365684.2, NM_001409308.1, NM_172349.5); c.7870C>A, p.Pro2624Thr (NM_001409301.1, NM_001409302.1, NM_001409303.1); c.7450C>A, p.Pro2484Thr (NM_001409304.1); c.7117C>A, p.Pro2373Thr (NM_001409305.1); c.7108C>A, p.Pro2370Thr (NM_001409306.1, NM_001409307.1); c.6748C>A, p.Pro2250Thr (NM_001409309.1); short protein forms P2624T, P2355T, P2370T, P2484T, P2333T, P2373T, P2250T.
Identifiers: ClinVar variation 632928 (VCV000632928.1), dbSNP rs1286859534, ClinGen allele CA362334756.